The following is an entry in ClinVar:

NM_016529.6(ATP8A2):c.385A>G (p.Thr129Ala)

Gene: ATP8A2 (ATPase phospholipid transporting 8A2). Cytogenetic location: 13q12.13.
Variant type: single nucleotide variant.
Coding change: c.385A>G on transcript NM_016529.6 (MANE Select); coding-DNA position 385, A replaced by G.
Protein change: p.Thr129Ala; replaces threonine 129 with alanine.
Molecular consequence: missense variant.
Genome position (GRCh38, 1-based): chr13:25,530,625, A>G. VCF-style: chr13-25530625-A-G. GRCh37 (hg19) VCF-style: chr13-26104763-A-G.
Other names: c.265A>G, p.Thr89Ala (NM_001313741.1); short protein forms T129A, T89A.
Identifiers: ClinVar variation 1481617 (VCV001481617.8), dbSNP rs2038000531, ClinGen allele CA387682229.
Genomic context (GRCh38, chr13:25,530,625, plus strand): 5'-ATTCCAGATGTATCTCCAACAGGAAGATATACCACCCTGGTGCCATTGATCATTATTTTA[A>G]CAATTGCAGGCATCAAAGAGATTGTAGAAGATTTTGTAAGTTTTTGCTTTTGGATAATAA-3'
Protein context (NP_057613.4, residues 119-139): TTLVPLIIIL[Thr129Ala]IAGIKEIVED

ClinVar aggregate classification (germline): Uncertain significance (1 of 4 stars; one submission).

Allele frequency attached by ClinVar (database versions not stated): TOPMed below 0.00001.

Submission:

Labcorp Genetics (formerly Invitae), Labcorp
Classification: Uncertain significance. Last evaluated: 2022-08-16. Review status: criteria provided, single submitter. Criteria: Invitae Variant Classification Sherloc (09022015). Collection method: clinical testing. Allele origin: germline.
Comment: Algorithms developed to predict the effect of sequence changes on RNA splicing suggest that this variant may create or strengthen a splice site. In summary, the available evidence is currently insufficient to determine the role of this variant in disease. Therefore, it has been classified as a Variant of Uncertain Significance. Algorithms developed to predict the effect of missense changes on protein structure and function (SIFT, PolyPhen-2, Align-GVGD) all suggest that this variant is likely to be tolerated. ClinVar contains an entry for this variant (Variation ID: 1481617). This variant has not been reported in the literature in individuals affected with ATP8A2-related conditions. This variant is not present in population databases (gnomAD no frequency). This sequence change replaces threonine, which is neutral and polar, with alanine, which is neutral and non-polar, at codon 129 of the ATP8A2 protein (p.Thr129Ala).